The following is an entry in ClinVar:

NM_001042492.3(NF1):c.5167C>A (p.Gln1723Lys)

Gene: NF1 (neurofibromin 1; plus strand). Cytogenetic location: 17q11.2.
Variant type: single nucleotide variant.
Coding change: c.5167C>A on transcript NM_001042492.3 (MANE Select); coding-DNA position 5167, C replaced by A.
Protein change: p.Gln1723Lys; replaces glutamine 1723 with lysine.
Molecular consequence: missense variant.
Genome position (GRCh38, 1-based): chr17:31,326,151, C>A. VCF-style: chr17-31326151-C-A. GRCh37 (hg19) VCF-style: chr17-29653169-C-A.
Other names: c.5104C>A, p.Gln1702Lys (NM_000267.4); short protein forms Q1702K, Q1723K.
Identifiers: ClinVar variation 3404590 (VCV003404590.1).

ClinVar aggregate classification (germline): Uncertain significance (1 of 4 stars; one submission).

Conditions:
Hereditary cancer-predisposing syndrome. Also called: Hereditary Cancer Syndrome; Tumor predisposition; Hereditary neoplastic syndrome; Neoplastic Syndromes, Hereditary. Identifiers: Orphanet 140162, MedGen C0027672, MeSH D009386, MONDO:0015356.
Cardiovascular phenotype. Identifiers: MedGen CN230736.

gnomAD v4.1: 2 of 1,612,864 alleles (0.00012%); no homozygotes.

Submission:

Ambry Genetics
Classification: Uncertain significance for Cardiovascular phenotype; Hereditary cancer-predisposing syndrome. Last evaluated: 2024-08-15. Review status: criteria provided, single submitter. Criteria: Ambry Variant Classification Scheme 2023. Collection method: clinical testing. Allele origin: germline.
Comment: The p.Q1702K variant (also known as c.5104C>A), located in coding exon 36 of the NF1 gene, results from a C to A substitution at nucleotide position 5104. The glutamine at codon 1702 is replaced by lysine, an amino acid with similar properties. This amino acid position is conserved. In addition, the in silico prediction for this alteration is inconclusive. Based on the available evidence, the clinical significance of this variant remains unclear.